The following is an entry in ClinVar:

ClinVar aggregate classification (germline): Uncertain significance. Review status: reviewed by expert panel (3 of 4 stars). 4 submissions from 4 submitters: Uncertain significance (1). 3 of the submissions do not count toward it. Last evaluated 2024-01-24.

Conditions:
Severe combined immunodeficiency disease. Also called: Severe Combined Immune Deficiency; Severe combined immunodeficiency. Identifiers: Orphanet 183660, MedGen C0085110, MeSH D016511, MONDO:0015974, HP:0004430. Inheritance: X-Linked or Autosomal recessive.
Immunodeficiency 104. Also called: Severe Combined Immune Deficiency, Autosomal Recessive, TCell -Negative, B Cell-Positive, NK Cell-Positive, IL7R-Related; IMMUNODEFICIENCY 104, SEVERE COMBINED; Severe combined immunodeficiency, autosomal recessive, T cell-negative, B cell-positive, NK cell-positive; SCID, AUTOSOMAL RECESSIVE, T CELL-NEGATIVE, B CELL-POSITIVE, NK CELL-POSITIVE. Identifiers: MedGen C5676890, MONDO:0012163, OMIM 608971.

Allele frequency attached by ClinVar (database versions not stated): TOPMed 0.00001; ExAC 0.00004; gnomAD exomes 0.00005; 1000 Genomes Project 30x 0.00016; 1000 Genomes Project 0.00020.
gnomAD v4.1: 18 of 1,613,732 alleles (0.0011%); highest among the groups gnomAD compares: Admixed American, 0.027%; no homozygotes.

Submissions (4):

ClinGen Severe Combined Immunodeficiency Variant Curation Expert Panel, ClinGen
Classification: Uncertain significance for Immunodeficiency 104. Last evaluated: 2024-01-24. Review status: reviewed by expert panel. Criteria: ClinGen SCID ACMG Specifications IL7R V1.0.0. Collection method: curation. Allele origin: germline. Inheritance: Autosomal recessive inheritance.
Comment: NM_002185.5(IL7R):c.539A>C is a missense variant predicted to cause substitution of Histidine by Proline at amino acid 180 (p.His180Pro). The highest population minor allele frequency in gnomAD v4 is 0.0002710 (16/59030 alleles) in Admixed American population (PM2_Supporting, BS1, and BA1 are not met). 2 patients (PMID: 23810098) with SCID (0.5 pt.) having T-B+NK+ lymphocyte subset profile (0.25 pt.) (Total :0.75 pts.) (PP4 not met). Both patients had maternal cell engraftment. One patient (PMID: 23810098) was found heterozygous for H180P & F71S (pre-curated as VUS) and another patient (PMID: 23810098) was found heterozygous for H180P & I94fs (not classified by SCID VCEP) (0.25 pt.). In summary, this variant meets the criteria to be classified as a variant of uncertain significance for autosomal recessive severe combined immunodeficiency due to IL7R deficiency based on the ACMG/AMP criteria applied, as specified by the ClinGen SCID VCEP: No criteria met (VCEP specifications version 1).

Labcorp Genetics (formerly Invitae), Labcorp
Classification: Pathogenic for Immunodeficiency 104. Last evaluated: 2026-01-05. Review status: criteria provided, single submitter. Criteria: Invitae Variant Classification Sherloc (09022015). Collection method: clinical testing. Allele origin: germline. Not counted in ClinVar's aggregate classification.
Comment: This sequence change replaces histidine, which is basic and polar, with proline, which is neutral and non-polar, at codon 180 of the IL7R protein (p.His180Pro). This variant is present in population databases (rs193922642, gnomAD 0.03%). This missense change has been observed in individual(s) with severe combined immunodeficiency (PMID: 23810098; internal data). In at least one individual the data is consistent with being in trans (on the opposite chromosome) from a pathogenic variant. ClinVar contains an entry for this variant (Variation ID: 36393). Invitae Evidence Modeling of protein sequence and biophysical properties (such as structural, functional, and spatial information, amino acid conservation, physicochemical variation, residue mobility, and thermodynamic stability) indicates that this missense variant is expected to disrupt IL7R protein function with a positive predictive value of 95%. For these reasons, this variant has been classified as Pathogenic.

Blueprint Genetics
Classification: Uncertain significance. Last evaluated: 2020-03-11. Review status: criteria provided, single submitter. Criteria: ACMG Guidelines, 2015. Collection method: clinical testing. Allele origin: germline. Not counted in ClinVar's aggregate classification.

Women's Health and Genetics/Laboratory Corporation of America, LabCorp
Classification: Likely pathogenic for SCID. Last evaluated: 2011-08-18. Review status: criteria provided, single submitter. Criteria: LabCorp Variant Classification Summary - May 2015. Collection method: curation, clinical testing. Allele origin: germline. Inheritance: autosomal unknown. Affected: yes. Not counted in ClinVar's aggregate classification.
ClinVar note: Converted during submission from likely pathogenic to Likely pathogenic.

Literature cited by the submitters: PubMed 23810098 (cited by Labcorp Genetics (formerly Invitae), Labcorp).

NM_002185.5(IL7R):c.539A>C (p.His180Pro)

Gene: IL7R (interleukin 7 receptor; plus strand). Cytogenetic location: 5p13.2.
Variant type: single nucleotide variant.
Coding change: c.539A>C on transcript NM_002185.5 (MANE Select); coding-DNA position 539, A replaced by C.
Protein change: p.His180Pro; replaces histidine 180 with proline.
Molecular consequence: missense variant.
Genome position (GRCh38, 1-based): chr5:35,873,481, A>C. VCF-style: chr5-35873481-A-C. GRCh37 (hg19) VCF-style: chr5-35873583-A-C.
Other names: NM_002185.5(IL7R):c.539A>C; c.539A>C (LRG_74t1); short protein forms H180P.
Identifiers: ClinVar variation 36393 (VCV000036393.10), dbSNP rs193922642, ClinGen allele CA214046.